The following is an entry in ClinVar:

ClinVar aggregate classification (germline): Conflicting classifications of pathogenicity. Review status: criteria provided, conflicting classifications (1 of 4 stars). 2 submissions from 2 submitters: Pathogenic (1); Uncertain significance (1). Last evaluated 2025-08-28.

Conditions:
Duchenne muscular dystrophy (DMD). Also called: MUSCULAR DYSTROPHY, PSEUDOHYPERTROPHIC PROGRESSIVE, DUCHENNE TYPE; Duchenne Muscular Dystrophy (DMD). Identifiers: Orphanet 98896, MedGen C0013264, MONDO:0010679, OMIM 310200.

Submissions (2):

Labcorp Genetics (formerly Invitae), Labcorp
Classification: Pathogenic for Duchenne muscular dystrophy. Last evaluated: 2025-08-28. Review status: criteria provided, single submitter. Criteria: Invitae Variant Classification Sherloc (09022015). Collection method: clinical testing. Allele origin: germline.
Comment: This sequence change falls in intron 1 of the DMD gene. It does not directly change the encoded amino acid sequence of the DMD protein. It affects a nucleotide within the consensus splice site. This variant is not present in population databases (gnomAD no frequency). This variant has been observed in individual(s) with clinical features of DMD-related conditions (PMID: 38146684, 39659883; internal data). In at least one individual the variant was observed to be de novo. This variant is also known as IVS1+6T>C. ClinVar contains an entry for this variant (Variation ID: 3629612). Variants that disrupt the consensus splice site are a relatively common cause of aberrant splicing (PMID: 17576681, 9536098). Algorithms developed to predict the effect of sequence changes on RNA splicing suggest that this variant may disrupt the consensus splice site. For these reasons, this variant has been classified as Pathogenic.

Women's Health and Genetics/Laboratory Corporation of America, LabCorp
Classification: Uncertain significance. Last evaluated: 2024-11-15. Review status: criteria provided, single submitter. Criteria: LabCorp Variant Classification Summary - May 2015. Collection method: clinical testing. Allele origin: germline.
Comment: Variant summary: DMD c.31+6T>C alters a conserved nucleotide located close to a canonical splice site and therefore could affect mRNA splicing, leading to a significantly altered protein sequence. Consensus agreement among computation tools predict no significant impact on normal splicing. However, these predictions have yet to be confirmed by functional studies. The frequency data for this variant in gnomAD is considered unreliable, as metrics indicate poor data quality at this position. These data do not allow any conclusion about variant significance. To our knowledge, no experimental evidence demonstrating an impact on protein function has been reported. The following publications have been ascertained in the context of this evaluation (PMID: 12354438, 38146684). No submitters have cited clinical-significance assessments for this variant to ClinVar. Based on the evidence outlined above, the variant was classified as uncertain significance.

Literature cited by the submitters: PubMed 38146684 (cited by Labcorp Genetics (formerly Invitae), Labcorp and Women's Health and Genetics/Laboratory Corporation of America, LabCorp); PubMed 39659883 (cited by Labcorp Genetics (formerly Invitae), Labcorp); PubMed 17576681 (cited by Labcorp Genetics (formerly Invitae), Labcorp); PubMed 9536098 (cited by Labcorp Genetics (formerly Invitae), Labcorp); PubMed 12354438 (cited by Women's Health and Genetics/Laboratory Corporation of America, LabCorp).

NM_004006.3(DMD):c.31+6T>C

Gene: DMD (dystrophin; minus strand). Cytogenetic location: Xp21.1.
Variant type: single nucleotide variant.
Coding change: c.31+6T>C on transcript NM_004006.3 (MANE Select); 6 bases into the intron after coding-DNA position 31, T replaced by C.
Molecular consequence: intron variant.
Genome position (GRCh38, 1-based): chrX:33,211,276, A>G on the plus strand (T>C on the coding strand, the complement: DMD is on the minus strand). VCF-style: chrX-33211276-A-G. GRCh37 (hg19) VCF-style: chrX-33229393-A-G.
Other names: c.7+127983T>C (NM_000109.4).
Identifiers: ClinVar variation 3629612 (VCV003629612.2).